The following is an entry in ClinVar:

ClinVar aggregate classification (germline): Uncertain significance (1 of 4 stars; one submission).

Submission:

Labcorp Genetics (formerly Invitae), Labcorp
Classification: Uncertain significance. Last evaluated: 2022-11-08. Review status: criteria provided, single submitter. Criteria: Invitae Variant Classification Sherloc (09022015). Collection method: clinical testing. Allele origin: germline.
Comment: In summary, the available evidence is currently insufficient to determine the role of this variant in disease. Therefore, it has been classified as a Variant of Uncertain Significance. Algorithms developed to predict the effect of missense changes on protein structure and function are either unavailable or do not agree on the potential impact of this missense change (SIFT: "Not Available"; PolyPhen-2: "Benign"; Align-GVGD: "Not Available"). This variant has not been reported in the literature in individuals affected with CEP250-related conditions. This variant is not present in population databases (gnomAD no frequency). This sequence change replaces glutamic acid, which is acidic and polar, with glutamine, which is neutral and polar, at codon 1394 of the CEP250 protein (p.Glu1394Gln).

NM_007186.6(CEP250):c.4180G>C (p.Glu1394Gln)

Gene: CEP250 (centrosomal protein 250; plus strand). Cytogenetic location: 20q11.22.
Variant type: single nucleotide variant.
Coding change: c.4180G>C on transcript NM_007186.6 (MANE Select); coding-DNA position 4180, G replaced by C.
Protein change: p.Glu1394Gln; replaces glutamic acid 1394 with glutamine.
Molecular consequence: missense variant.
Genome position (GRCh38, 1-based): chr20:35,502,549, G>C. VCF-style: chr20-35502549-G-C. GRCh37 (hg19) VCF-style: chr20-34090377-G-C.
Other names: c.2284G>C, p.Glu762Gln (NM_001318219.1); short protein forms E1394Q, E762Q.
Identifiers: ClinVar variation 2131715 (VCV002131715.2), dbSNP rs757202585, ClinGen allele CA408747563.